The following is an entry in ClinVar:

ClinVar aggregate classification (germline): Benign. Review status: criteria provided, multiple submitters, no conflicts (2 of 4 stars). 2 submissions from 2 submitters: Benign (2). Last evaluated 2018-06-16.

Allele frequency attached by ClinVar (database versions not stated): gnomAD exomes 0.10550; gnomAD 0.15028 and 0.15239; TOPMed 0.16097; 1000 Genomes Project 0.18530; 1000 Genomes Project 30x 0.18926.

Submissions (2):

GeneDx
Classification: Benign. Last evaluated: 2018-06-16. Review status: criteria provided, single submitter. Criteria: GeneDx Variant Classification (06012015). Collection method: clinical testing. Allele origin: germline. Affected: yes.
Comment: This variant is considered likely benign or benign based on one or more of the following criteria: it is a conservative change, it occurs at a poorly conserved position in the protein, it is predicted to be benign by multiple in silico algorithms, and/or has population frequency not consistent with disease.

Breakthrough Genomics
Classification: Benign. Review status: criteria provided, single submitter. Criteria: ACMG Guidelines, 2015. Collection method: not provided. Allele origin: germline. Inheritance: Autosomal dominant inheritance. Affected: yes.

NM_004281.4(BAG3):c.181-107A>G

Gene: BAG3 (BAG cochaperone 3; plus strand). Cytogenetic location: 10q26.11.
Variant type: single nucleotide variant.
Coding change: c.181-107A>G on transcript NM_004281.4 (MANE Select); 107 bases into the intron before coding-DNA position 181, A replaced by G.
Molecular consequence: intron variant.
Genome position (GRCh38, 1-based): chr10:119,669,744, A>G. VCF-style: chr10-119669744-A-G. GRCh37 (hg19) VCF-style: chr10-121429256-A-G.
Identifiers: ClinVar variation 672476 (VCV000672476.2), dbSNP rs2240777, ClinGen allele CA13313656.
Genomic context (GRCh38, chr10:119,669,744, plus strand): 5'-CTATGGGGTGGGGGGTTTGGAGGGTACAGGGGCTGGGAGCTGGCTGACGCTTTGAGGCCC[A>G]AGTCACTCGGGAAGATCACAATGCCAAGCGCCACAGTGTTTCCTCTGCCAGGAGGGTTCA-3'